The following is an entry in ClinVar:

NM_001130987.2(DYSF):c.2707G>A (p.Glu903Lys)

Gene: DYSF (dysferlin; plus strand). Cytogenetic location: 2p13.2.
Variant type: single nucleotide variant.
Coding change: c.2707G>A on transcript NM_001130987.2 (MANE Select); coding-DNA position 2707, G replaced by A.
Protein change: p.Glu903Lys; replaces glutamic acid 903 with lysine.
Molecular consequence: missense variant.
Genome position (GRCh38, 1-based): chr2:71,568,181, G>A. VCF-style: chr2-71568181-G-A. GRCh37 (hg19) VCF-style: chr2-71795311-G-A.
Other names: c.2656G>A, p.Glu886Lys (NM_001130455.2, NM_001130983.2); c.2611G>A, p.Glu871Lys (NM_001130976.2, NM_001130977.2); c.2653G>A, p.Glu885Lys (NM_001130978.2, NM_003494.4); c.2746G>A, p.Glu916Lys (NM_001130979.2); c.2704G>A, p.Glu902Lys (NM_001130980.2, NM_001130981.2); c.2749G>A, p.Glu917Lys (NM_001130982.2); c.2614G>A, p.Glu872Lys (NM_001130984.2, NM_001130986.2); c.2707G>A, p.Glu903Lys (NM_001130985.2); short protein forms E903K, E885K, E871K, E886K, E902K, E872K, E917K, E916K.
Identifiers: ClinVar variation 286711 (VCV000286711.13), dbSNP rs770997582, ClinGen allele CA1706268.
Genomic context (GRCh38, chr2:71,568,181, plus strand): 5'-CTGGAGCTGCCTTGGCCCCCTGCTCACGCCTCATTCTTCCTGGCCCTCCAGTATGAGAAC[G>A]AGACTAAGTTGGCCCTTGTTGGGAACTGGGGCACAACGGGCCTCACCTACCCCAAGTTTT-3'
Protein context (NP_001124459.1, residues 893-913): LSVFAETYEN[Glu903Lys]TKLALVGNWG

ClinVar aggregate classification (germline): Uncertain significance. Review status: criteria provided, multiple submitters, no conflicts (2 of 4 stars). 5 submissions from 5 submitters: Uncertain significance (4). 1 of the submissions does not count toward it. Last evaluated 2024-01-22.

Conditions:
Neuromuscular disease caused by qualitative or quantitative defects of dysferlin. Also called: Dysferlinopathy; Qualitative or quantitative defects of dysferlin. Identifiers: Orphanet 207073, MedGen C2931687, MONDO:0016145.
Autosomal recessive limb-girdle muscular dystrophy type 2B (LGMDR2). Also called: MUSCULAR DYSTROPHY, LIMB-GIRDLE, TYPE 3; Limb-Girdle Muscular Dystrophy Type 2B (LGMD2B); Limb-girdle muscular dystrophy, type 2B; MUSCULAR DYSTROPHY, LIMB-GIRDLE, AUTOSOMAL RECESSIVE 2. Identifiers: Orphanet 268, MedGen C1850889, MONDO:0009676, OMIM 253601.

Allele frequency attached by ClinVar (database versions not stated): gnomAD 0.00001 and 0.00003; TOPMed 0.00001; ExAC 0.00002; gnomAD exomes 0.00002.
gnomAD v4.1: 31 of 1,614,200 alleles (0.0019%); highest among the groups gnomAD compares: South Asian, 0.018%; no homozygotes.

Submissions (5):

Revvity Omics, Revvity
Classification: Uncertain significance. Last evaluated: 2024-01-22. Review status: criteria provided, single submitter. Criteria: ACMG Guidelines, 2015. Collection method: clinical testing. Allele origin: germline.

Labcorp Genetics (formerly Invitae), Labcorp
Classification: Uncertain significance for Neuromuscular disease caused by qualitative or quantitative defects of dysferlin. Last evaluated: 2022-03-18. Review status: criteria provided, single submitter. Criteria: Invitae Variant Classification Sherloc (09022015). Collection method: clinical testing. Allele origin: germline.
Comment: This sequence change replaces glutamic acid, which is acidic and polar, with lysine, which is basic and polar, at codon 885 of the DYSF protein (p.Glu885Lys). This variant is present in population databases (rs770997582, gnomAD 0.01%). This missense change has been observed in individual(s) with clinical suspicion of limb-girdle muscular dystrophy (PMID: 30564623). ClinVar contains an entry for this variant (Variation ID: 286711). Advanced modeling of protein sequence and biophysical properties (such as structural, functional, and spatial information, amino acid conservation, physicochemical variation, residue mobility, and thermodynamic stability) performed at Invitae indicates that this missense variant is not expected to disrupt DYSF protein function. In summary, the available evidence is currently insufficient to determine the role of this variant in disease. Therefore, it has been classified as a Variant of Uncertain Significance.

GeneDx
Classification: Uncertain significance. Last evaluated: 2017-06-28. Review status: criteria provided, single submitter. Criteria: GeneDx Variant Classification (06012015). Collection method: clinical testing. Allele origin: germline. Affected: yes.
Comment: A variant of uncertain significance has been identified in the DYSF gene. The E885K variant has not been published as a pathogenic variant, nor has it been reported as a benign variant to our knowledge. The E885K variant is observed in 2/16512 (0.01%) alleles from individuals of South Asian background (Lek et al., 2016; 1000 Genomes Consortium et al., 2015; Exome Variant Server). The E885K variant is a non-conservative amino acid substitution, which is likely to impact secondary protein structure as these residues differ in polarity, charge, size and/or other properties. However, this substitution occurs at a position that is not conserved. In silico analysis is inconsistent in its predictions as to whether or not the variant is damaging to the protein structure/function. Therefore, based on the currently available information, it is unclear whether this variant is a pathogenic variant or a rare benign variant.

Eurofins Ntd Llc (ga)
Classification: Uncertain significance. Last evaluated: 2017-01-03. Review status: criteria provided, single submitter. Criteria: EGL Classification Definitions 2015. Collection method: clinical testing. Allele origin: germline. Observed: 3 variant alleles, 3 heterozygotes.

Natera, Inc.
Classification: Uncertain significance for Limb-girdle muscular dystrophy type 2B. Last evaluated: 2020-09-08. Review status: no assertion criteria provided. Collection method: clinical testing. Allele origin: germline. Not counted in ClinVar's aggregate classification.

Literature cited by the submitters: PubMed 30564623 (cited by Labcorp Genetics (formerly Invitae), Labcorp).